The following is an entry in ClinVar:

ClinVar aggregate classification (germline): Benign. Review status: criteria provided, single submitter (1 of 4 stars). 2 submissions from 2 submitters: Benign (1). 1 of the submissions does not count toward it. Last evaluated 2025-11-27.

Conditions:
ACBD5-related disorder. Also called: ACBD5-related condition.

Allele frequency attached by ClinVar (database versions not stated): gnomAD exomes 0.00018 and 0.00069; gnomAD 0.00026 and 0.00040; TOPMed 0.00036; ExAC 0.00055; 1000 Genomes Project 30x 0.00265; 1000 Genomes Project 0.00280.

Submissions (2):

Labcorp Genetics (formerly Invitae), Labcorp
Classification: Benign. Last evaluated: 2025-11-27. Review status: criteria provided, single submitter. Criteria: Invitae Variant Classification Sherloc (09022015). Collection method: clinical testing. Allele origin: germline.

PreventionGenetics, part of Exact Sciences
Classification: Benign for ACBD5-related condition. Last evaluated: 2019-07-25. Review status: no assertion criteria provided. Collection method: clinical testing. Allele origin: germline. Not counted in ClinVar's aggregate classification.
Comment: This variant is classified as benign based on ACMG/AMP sequence variant interpretation guidelines (Richards et al. 2015 PMID: 25741868, with internal and published modifications).

NM_145698.5(ACBD5):c.568G>A (p.Glu190Lys)

Gene: ACBD5 (acyl-CoA binding domain containing 5; minus strand). Cytogenetic location: 10p12.1.
Variant type: single nucleotide variant.
Coding change: c.568G>A on transcript NM_145698.5 (MANE Select); coding-DNA position 568, G replaced by A.
Protein change: p.Glu190Lys; replaces glutamic acid 190 with lysine.
Molecular consequence: missense variant.
Genome position (GRCh38, 1-based): chr10:27,219,780, C>T on the plus strand (G>A on the coding strand, the complement: ACBD5 is on the minus strand). VCF-style: chr10-27219780-C-T. GRCh37 (hg19) VCF-style: chr10-27508709-C-T.
Other names: c.463G>A, p.Glu155Lys (NM_001042473.4, NM_001352577.2, NM_001352578.2 and 2 more transcripts); c.562G>A, p.Glu188Lys (NM_001271512.3, NM_001352587.1); c.241G>A, p.Glu81Lys (NM_001301251.2, NM_001301252.2, NM_001301253.2 and 3 more transcripts); c.622G>A, p.Glu208Lys (NM_001352568.1); c.601G>A, p.Glu201Lys (NM_001352569.1, NM_001352581.1); c.568G>A, p.Glu190Lys (NM_001352570.1, NM_001352588.1); c.595G>A, p.Glu199Lys (NM_001352571.1, NM_001352586.1); c.589G>A, p.Glu197Lys (NM_001352572.1); and 5 more; short protein forms E137K, E155K, E166K, E183K, E188K, E190K, E197K, E199K.
Identifiers: ClinVar variation 1165536 (VCV001165536.11), dbSNP rs187831118, ClinGen allele CA5450890.